The following is an entry in ClinVar:

ClinVar aggregate classification (germline): Uncertain significance (1 of 4 stars; one submission).

Conditions:
Intellectual developmental disorder, autosomal dominant 64. Also called: MENTAL RETARDATION, AUTOSOMAL DOMINANT 64. Identifiers: MedGen C5543067, MONDO:0030934, OMIM 619188.

Allele frequency attached by ClinVar (database versions not stated): gnomAD exomes below 0.00001.
gnomAD v4.1: 1 of 1,613,656 alleles (0.000062%); highest among the groups gnomAD compares: Non-Finnish European, 0.000085%; no homozygotes.

Submission:

Neuberg Centre For Genomic Medicine, NCGM
Classification: Uncertain significance for Intellectual developmental disorder, autosomal dominant 64. Review status: criteria provided, single submitter. Criteria: ACMG Guidelines, 2015. Collection method: clinical testing. Allele origin: germline. Inheritance: Autosomal dominant inheritance. Affected: yes.
Comment: The missense c.5640C>G (p.Ile1880Met) variant in ZNF292 gene has not been reported previously as a pathogenic variant nor as a benign variant, to our knowledge. The p.Ile1880Met variant is novel (not in any individuals) in both gnomAD Exomes and 1000 Genomes databases. This variant has not been reported to the ClinVar database. The amino acid Ile at position 1880 is changed to a Met changing protein sequence and it might alter its composition and physico-chemical properties. For these reasons, this variant has been classified as a Variant of Uncertain Significance (VUS).

NM_015021.3(ZNF292):c.5640C>G (p.Ile1880Met)

Gene: ZNF292 (zinc finger protein 292; plus strand). Cytogenetic location: 6q14.3.
Variant type: single nucleotide variant.
Coding change: c.5640C>G on transcript NM_015021.3 (MANE Select); coding-DNA position 5640, C replaced by G.
Protein change: p.Ile1880Met; replaces isoleucine 1880 with methionine.
Molecular consequence: missense variant.
Genome position (GRCh38, 1-based): chr6:87,259,269, C>G. VCF-style: chr6-87259269-C-G. GRCh37 (hg19) VCF-style: chr6-87968987-C-G.
Other names: c.5220C>G, p.Ile1740Met (NM_001351444.2); short protein forms I1740M, I1880M.
Identifiers: ClinVar variation 3241993 (VCV003241993.1), dbSNP rs2482346053.
Genomic context (GRCh38, chr6:87,259,269, plus strand): 5'-TGTACTGATAAATACATCAGTGACACTGACTCCCACGCCTGTTAAATCAACTGCAGATAT[C>G]ACAGTTATTCAGCCAGTTTCTGAAATGATAAACATTCAATTTAATGACAAAGTTAATAAA-3'
Protein context (NP_055836.1, residues 1870-1890): TPTPVKSTAD[Ile1880Met]TVIQPVSEMI